The following is an entry in ClinVar:

ClinVar aggregate classification (germline): Uncertain significance. Review status: criteria provided, multiple submitters, no conflicts (2 of 4 stars). 2 submissions from 2 submitters: Uncertain significance (2). Last evaluated 2023-10-31.

Conditions:
Developmental and epileptic encephalopathy, 54. Also called: Epileptic encephalopathy, early infantile, 54; HNRNPU-Related Neurodevelopmental Disorder. Identifiers: MedGen C4479319, MONDO:0033363, OMIM 617391.

Submissions (2):

GeneDx
Classification: Uncertain significance. Last evaluated: 2023-10-31. Review status: criteria provided, single submitter. Criteria: GeneDx Variant Classification Process June 2021. Collection method: clinical testing. Allele origin: germline. Affected: yes.
Comment: Not observed at significant frequency in large population cohorts (gnomAD); In silico analysis supports that this missense variant does not alter protein structure/function; Has not been previously published as pathogenic or benign to our knowledge

Labcorp Genetics (formerly Invitae), Labcorp
Classification: Uncertain significance for Developmental and epileptic encephalopathy, 54. Last evaluated: 2023-07-12. Review status: criteria provided, single submitter. Criteria: Invitae Variant Classification Sherloc (09022015). Collection method: clinical testing. Allele origin: germline.
Comment: In summary, the available evidence is currently insufficient to determine the role of this variant in disease. Therefore, it has been classified as a Variant of Uncertain Significance. An algorithm developed to predict the effect of missense changes on protein structure and function (PolyPhen-2) suggests that this variant is likely to be tolerated. This variant has not been reported in the literature in individuals affected with HNRNPU-related conditions. This variant is not present in population databases (gnomAD no frequency). This sequence change replaces glutamic acid, which is acidic and polar, with aspartic acid, which is acidic and polar, at codon 150 of the HNRNPU protein (p.Glu150Asp).

NM_031844.3(HNRNPU):c.450A>C (p.Glu150Asp)

Gene: HNRNPU (heterogeneous nuclear ribonucleoprotein U; minus strand). Cytogenetic location: 1q44.
Variant type: single nucleotide variant.
Coding change: c.450A>C on transcript NM_031844.3 (MANE Select); coding-DNA position 450, A replaced by C.
Protein change: p.Glu150Asp; replaces glutamic acid 150 with aspartic acid.
Molecular consequence: missense variant.
Genome position (GRCh38, 1-based): chr1:244,863,858, T>G on the plus strand (A>C on the coding strand, the complement: HNRNPU is on the minus strand). VCF-style: chr1-244863858-T-G. GRCh37 (hg19) VCF-style: chr1-245027160-T-G.
Other names: c.450A>C (NM_031844.2); c.450A>C, p.Glu150Asp (NM_004501.3); short protein forms E150D.
Identifiers: ClinVar variation 2742406 (VCV002742406.4), dbSNP rs1461052775, ClinGen allele CA345497050.